The following is an entry in ClinVar:

NM_001003800.2(BICD2):c.1673G>T (p.Arg558Leu)

Gene: BICD2 (BICD cargo adaptor 2; minus strand). Cytogenetic location: 9q22.31.
Variant type: single nucleotide variant.
Coding change: c.1673G>T on transcript NM_001003800.2 (MANE Select); coding-DNA position 1673, G replaced by T.
Protein change: p.Arg558Leu; replaces arginine 558 with leucine.
Molecular consequence: missense variant.
Genome position (GRCh38, 1-based): chr9:92,718,972, C>A on the plus strand (G>T on the coding strand, the complement: BICD2 is on the minus strand). VCF-style: chr9-92718972-C-A. GRCh37 (hg19) VCF-style: chr9-95481254-C-A.
Other names: c.1673G>T, p.Arg558Leu (NM_015250.4); short protein forms R558L.
Identifiers: ClinVar variation 2717524 (VCV002717524.3), dbSNP rs1263279945, ClinGen allele CA374036398.

ClinVar aggregate classification (germline): Uncertain significance (1 of 4 stars; one submission).

Conditions:
Autosomal dominant childhood-onset proximal spinal muscular atrophy with contractures (SMALED2A). Also called: SPINAL MUSCULAR ATROPHY, LOWER EXTREMITY-PREDOMINANT, 2A, CHILDHOOD ONSET, AUTOSOMAL DOMINANT; Spinal muscular atrophy, lower extremity-predominant, 2A, autosomal dominant. Identifiers: Orphanet 363447, Orphanet 363454, MedGen C4747715, MONDO:0014121, OMIM 615290.

Allele frequency attached by ClinVar (database versions not stated): gnomAD 0.00001.
gnomAD v4.1: 15 of 1,610,472 alleles (0.00093%); highest among the groups gnomAD compares: Non-Finnish European, 0.0013%; no homozygotes.

Submission:

Labcorp Genetics (formerly Invitae), Labcorp
Classification: Uncertain significance for Autosomal dominant childhood-onset proximal spinal muscular atrophy with contractures. Last evaluated: 2025-10-01. Review status: criteria provided, single submitter. Criteria: Invitae Variant Classification Sherloc (09022015). Collection method: clinical testing. Allele origin: germline.
Comment: This sequence change replaces arginine, which is basic and polar, with leucine, which is neutral and non-polar, at codon 558 of the BICD2 protein (p.Arg558Leu). The frequency data for this variant in the population databases is considered unreliable, as metrics indicate poor data quality at this position in the gnomAD database. This variant has not been reported in the literature in individuals affected with BICD2-related conditions. ClinVar contains an entry for this variant (Variation ID: 2717524). Invitae Evidence Modeling of protein sequence and biophysical properties (such as structural, functional, and spatial information, amino acid conservation, physicochemical variation, residue mobility, and thermodynamic stability) indicates that this missense variant is not expected to disrupt BICD2 protein function with a negative predictive value of 80%. In summary, the available evidence is currently insufficient to determine the role of this variant in disease. Therefore, it has been classified as a Variant of Uncertain Significance.